The following is an entry in ClinVar:

ClinVar aggregate classification (germline): Likely benign (0 of 4 stars; one submission).

Conditions:
COL4A5-related disorder. Also called: COL4A5-related condition.

Allele frequency attached by ClinVar (database versions not stated): gnomAD exomes 0.00003.
gnomAD v4.1: 30 of 1,183,005 alleles (0.0025%); highest among the groups gnomAD compares: Non-Finnish European, 0.0033%; no homozygotes.

Submission:

PreventionGenetics, part of Exact Sciences
Classification: Likely benign for COL4A5-related condition. Last evaluated: 2022-04-18. Review status: no assertion criteria provided. Collection method: clinical testing. Allele origin: germline.
Comment: This variant is classified as likely benign based on ACMG/AMP sequence variant interpretation guidelines (Richards et al. 2015 PMID: 25741868, with internal and published modifications).

NM_033380.3(COL4A5):c.3553+5T>C

Gene: COL4A5 (collagen type IV alpha 5 chain; plus strand). Cytogenetic location: Xq22.3.
Variant type: single nucleotide variant.
Coding change: c.3553+5T>C on transcript NM_033380.3 (MANE Select); 5 bases into the intron after coding-DNA position 3553, T replaced by C.
Molecular consequence: intron variant.
Genome position (GRCh38, 1-based): chrX:108,666,599, T>C. VCF-style: chrX-108666599-T-C. GRCh37 (hg19) VCF-style: chrX-107909829-T-C.
Other names: c.3553+5T>C (NM_000495.5).
Identifiers: ClinVar variation 3059930 (VCV003059930.2), dbSNP rs1395442019, ClinGen allele CA643636643.